The following is an entry in ClinVar:

NM_015046.7(SETX):c.*1700G>T

Gene: SETX (senataxin; minus strand). Cytogenetic location: 9q34.13.
Variant type: single nucleotide variant.
Coding change: c.*1700G>T on transcript NM_015046.7 (MANE Select); 1700 bases downstream of the stop codon, G replaced by T.
Molecular consequence: 3 prime UTR variant.
Genome position (GRCh38, 1-based): chr9:132,262,539, C>A on the plus strand (G>T on the coding strand, the complement: SETX is on the minus strand). VCF-style: chr9-132262539-C-A. GRCh37 (hg19) VCF-style: chr9-135137926-C-A.
Other names: NC_000009.11:g.135137926C>A; c.*1700G>T (NM_001351527.2, NM_001351528.2).
Identifiers: ClinVar variation 365311 (VCV000365311.9), dbSNP rs75682594, ClinGen allele CA10632569.

ClinVar aggregate classification (germline): Benign/Likely benign. Review status: criteria provided, multiple submitters, no conflicts (2 of 4 stars). 6 submissions from 4 submitters: Benign (4); Likely benign (2). Last evaluated 2023-02-08.

Conditions:
Spinocerebellar ataxia, autosomal recessive, with axonal neuropathy 2 (SCAN2). Also called: Ataxia with Oculomotor Apraxia; ATAXIA-OCULOMOTOR APRAXIA 2; Ataxia-ocular apraxia-2; Ataxia with Oculomotor Apraxia Type 2. Identifiers: Orphanet 64753, MedGen C1853761, MONDO:0018996, OMIM 606002.
Amyotrophic lateral sclerosis type 4 (ALS4). Also called: NEURONOPATHY, DISTAL HEREDITARY MOTOR, WITH PYRAMIDAL FEATURES; AMYOTROPHIC LATERAL SCLEROSIS 4, JUVENILE. Identifiers: Orphanet 357043, MedGen C1865409, MONDO:0011223, OMIM 602433.

Allele frequency attached by ClinVar (database versions not stated): 1000 Genomes Project 0.12101; gnomAD 0.03993 and 0.04689; TOPMed 0.04805; gnomAD exomes 0.05660; 1000 Genomes Project 30x 0.11462.
gnomAD v4.1: 7,155 of 152,500 alleles (4.7%); highest among the groups gnomAD compares: East Asian, 38%; 535 homozygotes.

Submissions (12):

Genome-Nilou Lab
Classification: Benign for Spinocerebellar ataxia, autosomal recessive, with axonal neuropathy 2. Last evaluated: 2023-02-08. Review status: criteria provided, single submitter. Criteria: ACMG Guidelines, 2015. Collection method: clinical testing. Allele origin: germline.

Genome-Nilou Lab
Classification: Benign for Amyotrophic lateral sclerosis type 4. Last evaluated: 2023-02-08. Review status: criteria provided, single submitter. Criteria: ACMG Guidelines, 2015. Collection method: clinical testing. Allele origin: germline.

GeneDx
Classification: Likely benign. Last evaluated: 2021-05-15. Review status: criteria provided, single submitter. Criteria: GeneDx Variant Classification Process June 2021. Collection method: clinical testing. Allele origin: germline. Affected: yes.

Illumina Laboratory Services, Illumina
Classification: Benign for Amyotrophic lateral sclerosis type 4. Last evaluated: 2018-01-13. Review status: criteria provided, single submitter. Criteria: ICSL Variant Classification Criteria 13 December 2019. Collection method: clinical testing. Allele origin: germline.
Comment: This variant was observed in the ICSL laboratory as part of a predisposition screen in an ostensibly healthy population. It had not been previously curated by ICSL or reported in the Human Gene Mutation Database (HGMD: prior to June 1st, 2018), and was therefore a candidate for classification through an automated scoring system. Utilizing variant allele frequency, disease prevalence and penetrance estimates, and inheritance mode, an automated score was calculated to assess if this variant is too frequent to cause the disease. Based on the score and internal cut-off values, a variant classified as benign is not then subjected to further curation. The score for this variant resulted in a classification of benign for this disease.

Illumina Laboratory Services, Illumina
Classification: Benign for Spinocerebellar ataxia, autosomal recessive, with axonal neuropathy 2. Last evaluated: 2018-01-13. Review status: criteria provided, single submitter. Criteria: ICSL Variant Classification Criteria 13 December 2019. Collection method: clinical testing. Allele origin: germline.
Comment: the same text as in the submission from Illumina Laboratory Services, Illumina above.

Breakthrough Genomics
Classification: Likely benign. Review status: criteria provided, single submitter. Criteria: ACMG Guidelines, 2015. Collection method: not provided. Allele origin: germline. Inheritance: Autosomal recessive inheritance. Affected: yes.

Dr. Peter K. Rogan Lab, Western University
No classification provided (evidence only). Condition: Uterine corpus endometrial carcinoma. Review status: no classification provided. Collection method: in vitro. Allele origin: not applicable. Functional consequence: retained intron. Not counted in ClinVar's aggregate classification.

Dr. Peter K. Rogan Lab, Western University
No classification provided (evidence only). Condition: Sarcoma. Review status: no classification provided. Collection method: in vitro. Allele origin: not applicable. Functional consequence: retained intron. Not counted in ClinVar's aggregate classification.

Dr. Peter K. Rogan Lab, Western University
No classification provided (evidence only). Condition: Sarcoma. Review status: no classification provided. Collection method: in vitro. Allele origin: not applicable. Functional consequence: retained intron. Not counted in ClinVar's aggregate classification.

Dr. Peter K. Rogan Lab, Western University
No classification provided (evidence only). Condition: Sarcoma. Review status: no classification provided. Collection method: in vitro. Allele origin: not applicable. Functional consequence: retained intron. Not counted in ClinVar's aggregate classification.

Dr. Peter K. Rogan Lab, Western University
No classification provided (evidence only). Condition: Sarcoma. Review status: no classification provided. Collection method: in vitro. Allele origin: not applicable. Functional consequence: retained intron. Not counted in ClinVar's aggregate classification.

Dr. Peter K. Rogan Lab, Western University
No classification provided (evidence only). Condition: Gastric cancer. Review status: no classification provided. Collection method: in vitro. Allele origin: not applicable. Functional consequence: retained intron. Not counted in ClinVar's aggregate classification.